The following is an entry in ClinVar:

NM_017763.6(RNF43):c.2045C>T (p.Pro682Leu)

Gene: RNF43 (ring finger protein 43; minus strand). Cytogenetic location: 17q22.
Variant type: single nucleotide variant.
Coding change: c.2045C>T on transcript NM_017763.6 (MANE Select); coding-DNA position 2045, C replaced by T.
Protein change: p.Pro682Leu; replaces proline 682 with leucine.
Molecular consequence: missense variant.
Genome position (GRCh38, 1-based): chr17:58,357,731, G>A on the plus strand (C>T on the coding strand, the complement: RNF43 is on the minus strand). VCF-style: chr17-58357731-G-A. GRCh37 (hg19) VCF-style: chr17-56435092-G-A.
Other names: c.1664C>T, p.Pro555Leu (NM_001305545.2); c.2045C>T, p.Pro682Leu (NM_001305544.3); short protein forms P555L, P682L.
Identifiers: ClinVar variation 3710966 (VCV003710966.2).

ClinVar aggregate classification (germline): Uncertain significance (1 of 4 stars; one submission).

Submission:

Labcorp Genetics (formerly Invitae), Labcorp
Classification: Uncertain significance. Last evaluated: 2024-12-11. Review status: criteria provided, single submitter. Criteria: Invitae Variant Classification Sherloc (09022015). Collection method: clinical testing. Allele origin: germline.
Comment: This sequence change replaces proline, which is neutral and non-polar, with leucine, which is neutral and non-polar, at codon 682 of the RNF43 protein (p.Pro682Leu). This variant is not present in population databases (gnomAD no frequency). This variant has not been reported in the literature in individuals affected with RNF43-related conditions. An algorithm developed to predict the effect of missense changes on protein structure and function (PolyPhen-2) suggests that this variant is likely to be disruptive. In summary, the available evidence is currently insufficient to determine the role of this variant in disease. Therefore, it has been classified as a Variant of Uncertain Significance.